The following is an entry in ClinVar:

ClinVar aggregate classification (germline): Likely pathogenic (1 of 4 stars; one submission).

Conditions:
Junctional epidermolysis bullosa. Identifiers: Orphanet 305, MedGen C0079301, MONDO:0017612.

Submission:

Women's Health and Genetics/Laboratory Corporation of America, LabCorp
Classification: Likely pathogenic for Junctional epidermolysis bullosa. Last evaluated: 2022-03-09. Review status: criteria provided, single submitter. Criteria: LabCorp Variant Classification Summary - May 2015. Collection method: clinical testing. Allele origin: germline.
Comment: Variant summary: LAMA3 c.3351-1G>C is located in a canonical splice-site and is predicted to affect mRNA splicing resulting in a significantly altered protein due to either exon skipping, shortening, or inclusion of intronic material. Several computational tools predict a significant impact on normal splicing: Four predict the variant abolishes a canonical 3' acceptor site. However, these predictions have yet to be confirmed by functional studies. The variant was absent in 251276 control chromosomes (gnomAD). To our knowledge, no occurrence of c.3351-1G>C in individuals affected with Junctional Epidermolysis Bullosa and no experimental evidence demonstrating its impact on protein function have been reported. No clinical diagnostic laboratories have submitted clinical-significance assessments for this variant to ClinVar after 2014. Based on the evidence outlined above, the variant was classified as likely pathogenic.

NM_198129.4(LAMA3):c.8178-1G>C

Gene: LAMA3 (laminin subunit alpha 3; plus strand). Cytogenetic location: 18q11.2.
Variant type: single nucleotide variant.
Coding change: c.8178-1G>C on transcript NM_198129.4 (MANE Select); the canonical splice acceptor site of the intron before coding-DNA position 8178, G replaced by C.
Molecular consequence: splice acceptor variant.
Genome position (GRCh38, 1-based): chr18:23,928,122, G>C. VCF-style: chr18-23928122-G-C. GRCh37 (hg19) VCF-style: chr18-21508086-G-C.
Other names: c.8010-1G>C (NM_001127717.4); c.3351-1G>C (NM_000227.6); c.3183-1G>C (NM_001127718.4).
Identifiers: ClinVar variation 1677054 (VCV001677054.1), dbSNP rs1047102588, ClinGen allele CA402062922.
Genomic context (GRCh38, chr18:23,928,122, plus strand): 5'-CTCTGATTTCACGTGAGCCTGACATGATCCATCTCTTCCTTTTATCTGTGTTCGTAATCA[G>C]ATTTAACATTTCTACGCCTGCTTTCCGAGGCTGCATGAAAAATTTGAAGAAAACCAGTGG-3'